The following is an entry in ClinVar:

NM_133459.4(CCBE1):c.259C>T (p.Pro87Ser)

Gene: CCBE1 (collagen and calcium binding EGF domains 1; minus strand). Cytogenetic location: 18q21.32.
Variant type: single nucleotide variant.
Coding change: c.259C>T on transcript NM_133459.4 (MANE Select); coding-DNA position 259, C replaced by T.
Protein change: p.Pro87Ser; replaces proline 87 with serine.
Molecular consequence: missense variant.
Genome position (GRCh38, 1-based): chr18:59,480,192, G>A on the plus strand (C>T on the coding strand, the complement: CCBE1 is on the minus strand). VCF-style: chr18-59480192-G-A. GRCh37 (hg19) VCF-style: chr18-57147424-G-A.
Other names: short protein forms P87S.
Identifiers: ClinVar variation 888654 (VCV000888654.8), dbSNP rs148498685, ClinGen allele CA8980581.

ClinVar aggregate classification (germline): Uncertain significance. Review status: criteria provided, multiple submitters, no conflicts (2 of 4 stars). 2 submissions from 2 submitters: Uncertain significance (2). Last evaluated 2025-01-01.

Conditions:
Hennekam lymphangiectasia-lymphedema syndrome. Also called: Hennekam syndrome; Lymphangiectasies and lymphedema Hennekam type; Intestinal lymphagiectasia lymphedema intellectual deficit syndrome. Identifiers: Orphanet 2136, MedGen C0340834, MONDO:0016256.
Hennekam lymphangiectasia-lymphedema syndrome 1 (HKLLS1). Also called: LYMPHATIC DYSPLASIA, GENERALIZED. Identifiers: Orphanet 2136, MedGen C4012050, MONDO:0009337, OMIM 235510.

Allele frequency attached by ClinVar (database versions not stated): TOPMed 0.00020; ExAC 0.00013; gnomAD exomes 0.00015; ESP Exome Variant Server 0.00039.

Submissions (2):

Labcorp Genetics (formerly Invitae), Labcorp
Classification: Uncertain significance. Last evaluated: 2025-01-01. Review status: criteria provided, single submitter. Criteria: Invitae Variant Classification Sherloc (09022015). Collection method: clinical testing. Allele origin: germline.
Comment: This sequence change replaces proline, which is neutral and non-polar, with serine, which is neutral and polar, at codon 87 of the CCBE1 protein (p.Pro87Ser). This variant is present in population databases (rs148498685, gnomAD 0.03%). This variant has not been reported in the literature in individuals affected with CCBE1-related conditions. ClinVar contains an entry for this variant (Variation ID: 888654). Invitae Evidence Modeling of protein sequence and biophysical properties (such as structural, functional, and spatial information, amino acid conservation, physicochemical variation, residue mobility, and thermodynamic stability) indicates that this missense variant is not expected to disrupt CCBE1 protein function with a negative predictive value of 80%. In summary, the available evidence is currently insufficient to determine the role of this variant in disease. Therefore, it has been classified as a Variant of Uncertain Significance.

Illumina Laboratory Services, Illumina
Classification: Uncertain significance for Hennekam lymphangiectasia-lymphedema syndrome 1. Last evaluated: 2018-01-12. Review status: criteria provided, single submitter. Criteria: ICSL Variant Classification Criteria 13 December 2019. Collection method: clinical testing. Allele origin: germline.